The following is an entry in ClinVar:

NM_018942.3(HMX1):c.878_879inv (p.Ala293Val)

Gene: HMX1 (H6 family homeobox 1; minus strand). Cytogenetic location: 4p16.1.
Variant type: Inversion.
Coding change: c.878_879inv on transcript NM_018942.3 (MANE Select).
Protein change: p.Ala293Val; replaces alanine 293 with valine.
Molecular consequence: missense variant. On other transcripts: intron variant (1).
Genome position: GRCh38 VCF-style: chr4-8867861-TG-CA. GRCh37 (hg19) VCF-style: chr4-8869587-TG-CA.
Other names: c.394+3359_394+3360inv (NM_001306142.2); short protein forms A293V.
Identifiers: ClinVar variation 967068 (VCV000967068.9), ClinGen allele CA1139658437.

ClinVar aggregate classification (germline): Uncertain significance (1 of 4 stars; one submission).

Submission:

Labcorp Genetics (formerly Invitae), Labcorp
Classification: Uncertain significance. Last evaluated: 2022-02-24. Review status: criteria provided, single submitter. Criteria: Invitae Variant Classification Sherloc (09022015). Collection method: clinical testing. Allele origin: germline.
Comment: Algorithms developed to predict the effect of missense changes on protein structure and function are either unavailable or do not agree on the potential impact of this missense change (SIFT: "Not Available"; PolyPhen-2: "Benign"; Align-GVGD: "Not Available"). In summary, the available evidence is currently insufficient to determine the role of this variant in disease. Therefore, it has been classified as a Variant of Uncertain Significance. ClinVar contains an entry for this variant (Variation ID: 967068). This sequence change replaces alanine, which is neutral and non-polar, with valine, which is neutral and non-polar, at codon 293 of the HMX1 protein (p.Ala293Val). Information on the frequency of this variant in the gnomAD database is not available, as this variant may be reported differently in the database. This variant has not been reported in the literature in individuals affected with HMX1-related conditions.